The following is an entry in ClinVar:

NM_002691.4(POLD1):c.2798T>C (p.Val933Ala)

Gene: POLD1 (DNA polymerase delta 1, catalytic subunit; plus strand). Cytogenetic location: 19q13.33.
Variant type: single nucleotide variant.
Coding change: c.2798T>C on transcript NM_002691.4 (MANE Select); coding-DNA position 2798, T replaced by C.
Protein change: p.Val933Ala; replaces valine 933 with alanine.
Molecular consequence: missense variant.
Genome position (GRCh38, 1-based): chr19:50,415,804, T>C. VCF-style: chr19-50415804-T-C. GRCh37 (hg19) VCF-style: chr19-50919061-T-C.
Other names: c.2798T>C, p.Val933Ala (NM_001256849.1); c.2876T>C, p.Val959Ala (NM_001308632.1); short protein forms V933A, V959A.
Identifiers: ClinVar variation 2113542 (VCV002113542.4), dbSNP rs2514058900, ClinGen allele CA406986065.

ClinVar aggregate classification (germline): Uncertain significance (1 of 4 stars; one submission).

Conditions:
POLD1-related polyposis and colorectal cancer syndrome (CRCS10). Also called: Colorectal cancer 10; COLORECTAL CANCER, SUSCEPTIBILITY TO, ON CHROMOSOME 19q; Colorectal cancer, susceptibility to, 10. Identifiers: Orphanet 220460, MedGen C2675481, MONDO:0012953, OMIM 612591.

Submission:

Labcorp Genetics (formerly Invitae), Labcorp
Classification: Uncertain significance for POLD1-related polyposis and colorectal cancer syndrome. Last evaluated: 2022-03-18. Review status: criteria provided, single submitter. Criteria: Invitae Variant Classification Sherloc (09022015). Collection method: clinical testing. Allele origin: germline.
Comment: This sequence change replaces valine, which is neutral and non-polar, with alanine, which is neutral and non-polar, at codon 933 of the POLD1 protein (p.Val933Ala). This variant is not present in population databases (gnomAD no frequency). This variant has not been reported in the literature in individuals affected with POLD1-related conditions. Algorithms developed to predict the effect of missense changes on protein structure and function (SIFT, PolyPhen-2, Align-GVGD) all suggest that this variant is likely to be tolerated. In summary, the available evidence is currently insufficient to determine the role of this variant in disease. Therefore, it has been classified as a Variant of Uncertain Significance.